The following is an entry in ClinVar:

NM_002485.5(NBN):c.1162A>C (p.Lys388Gln)

Gene: NBN (nibrin; minus strand). Cytogenetic location: 8q21.3.
Variant type: single nucleotide variant.
Coding change: c.1162A>C on transcript NM_002485.5 (MANE Select); coding-DNA position 1162, A replaced by C.
Protein change: p.Lys388Gln; replaces lysine 388 with glutamine.
Molecular consequence: missense variant.
Genome position (GRCh38, 1-based): chr8:89,955,518, T>G on the plus strand (A>C on the coding strand, the complement: NBN is on the minus strand). VCF-style: chr8-89955518-T-G. GRCh37 (hg19) VCF-style: chr8-90967746-T-G.
Other names: c.916A>C, p.Lys306Gln (NM_001024688.3); short protein forms K388Q, K306Q.
Identifiers: ClinVar variation 4702078 (VCV004702078.1), dbSNP rs1252203605.

ClinVar aggregate classification (germline): Uncertain significance (1 of 4 stars; one submission).

Conditions:
Microcephaly, normal intelligence and immunodeficiency (NBS). Also called: SEEMANOVA SYNDROME II; Immunodeficiency, microcephaly with normal intelligence; Nijmegen breakage syndrome; Microcephaly with normal intelligence immunodeficiency and lymphoreticular malignancies; Nonsyndromal microcephaly autosomal recessive with normal intelligence; Seemanova syndrome 2. Identifiers: Orphanet 647, MedGen C0398791, MONDO:0009623, OMIM 251260.

Allele frequency attached by ClinVar (database versions not stated): gnomAD exomes below 0.00001.
gnomAD v4.1: 2 of 1,613,638 alleles (0.00012%); highest among the groups gnomAD compares: South Asian, 0.0022%; no homozygotes.

Submission:

Labcorp Genetics (formerly Invitae), Labcorp
Classification: Uncertain significance for Microcephaly, normal intelligence and immunodeficiency. Last evaluated: 2025-07-14. Review status: criteria provided, single submitter. Criteria: Invitae Variant Classification Sherloc (09022015). Collection method: clinical testing. Allele origin: germline.
Comment: This sequence change replaces lysine, which is basic and polar, with glutamine, which is neutral and polar, at codon 388 of the NBN protein (p.Lys388Gln). This variant is present in population databases (no rsID available, gnomAD 0.003%). This variant has not been reported in the literature in individuals affected with NBN-related conditions. An algorithm developed to predict the effect of missense changes on protein structure and function outputs the following: PolyPhen-2: "Benign". The glutamine amino acid residue is found in multiple mammalian species, which suggests that this missense change does not adversely affect protein function. In summary, the available evidence is currently insufficient to determine the role of this variant in disease. Therefore, it has been classified as a Variant of Uncertain Significance.